The following is an entry in ClinVar:

NM_004247.4(EFTUD2):c.2499del (p.Phe833fs)

Gene: EFTUD2 (elongation factor Tu GTP binding domain containing 2; minus strand). Cytogenetic location: 17q21.31.
Variant type: Deletion.
Coding change: c.2499del on transcript NM_004247.4 (MANE Select); coding-DNA position 2499, one base deleted (T; older notation c.2499delT).
Protein change: p.Phe833fs; shifts the reading frame from phenylalanine 833.
Molecular consequence: frameshift variant.
Genome position (GRCh38, 1-based): chr17:44,853,358, A deleted on the plus strand (T on the coding strand, the reverse complement: EFTUD2 is on the minus strand); the first of 3 consecutive A bases (chr17:44,853,358-44,853,360); deleting any one gives the same sequence. VCF-style (leftmost placement, unchanged base first): chr17-44853357-CA-C. GRCh37 (hg19) VCF-style: chr17-42930725-CA-C.
Other names: c.2394del, p.Phe798fs (NM_001142605.2); c.2499del, p.Phe833fs (NM_001258353.2); c.2469del, p.Phe823fs (NM_001258354.2); short protein forms F798fs, F823fs, F833fs.
Identifiers: ClinVar variation 4538389 (VCV004538389.1).

ClinVar aggregate classification (germline): Pathogenic (1 of 4 stars; one submission).

Conditions:
Mandibulofacial dysostosis-microcephaly syndrome (MFDGA). Also called: Growth and mental retardation, mandibulofacial dysostosis, microcephaly, and cleft palate; Mandibulofacial dysostosis, Guion-Almeida type. Identifiers: Orphanet 79113, MedGen C1864652, MONDO:0012516, OMIM 610536.

Submission:

Greenwood Genetic Center Diagnostic Laboratories, Greenwood Genetic Center
Classification: Pathogenic for Mandibulofacial dysostosis-microcephaly syndrome. Last evaluated: 2025-04-23. Review status: criteria provided, single submitter. Criteria: ACMG Guidelines, 2015. Collection method: clinical testing. Allele origin: germline. Affected: yes.
Comment: PVS1, PS2, PM2